The following is an entry in ClinVar:

ClinVar aggregate classification (germline): Likely benign (1 of 4 stars; one submission).

Submission:

CeGaT Center for Human Genetics Tuebingen
Classification: Likely benign. Last evaluated: 2023-09-01. Review status: criteria provided, single submitter. Criteria: CeGaT Center For Human Genetics Tuebingen Variant Classification Criteria Version 2. Collection method: clinical testing. Allele origin: germline. Affected: yes. Observed: 1 variant allele.
Comment: RASGRP1: PM2:Supporting, BP4, BP7

NM_005739.4(RASGRP1):c.2121C>T (p.Pro707=)

Gene: RASGRP1 (RAS guanyl releasing protein 1; minus strand). Cytogenetic location: 15q14.
Variant type: single nucleotide variant.
Coding change: c.2121C>T on transcript NM_005739.4 (MANE Select); coding-DNA position 2121, C replaced by T.
Protein change: p.Pro707=; no amino-acid change (proline 707 retained).
Molecular consequence: synonymous variant. On other transcripts: intron variant (1).
Genome position (GRCh38, 1-based): chr15:38,494,520, G>A on the plus strand (C>T on the coding strand, the complement: RASGRP1 is on the minus strand). VCF-style: chr15-38494520-G-A. GRCh37 (hg19) VCF-style: chr15-38786721-G-A.
Other names: c.2016C>T, p.Pro672= (NM_001128602.2); c.1769-3832C>T (NM_001306086.2).
Identifiers: ClinVar variation 2645158 (VCV002645158.24), dbSNP rs2542847440, ClinGen allele CA489891728.